The following is an entry in ClinVar:

ClinVar aggregate classification (germline): Uncertain significance. Review status: criteria provided, multiple submitters, no conflicts (2 of 4 stars). 3 submissions from 3 submitters: Uncertain significance (2). 1 of the submissions does not count toward it. Last evaluated 2023-02-21.

Conditions:
Cardiac arrhythmia. Also called: Arrhythmia; Cardiac rhythm disease. Identifiers: MedGen C0003811, MONDO:0007263, HP:0011675.
Familial long QT syndrome (RWS). Also called: Congenital long QT syndrome; Romano-Ward syndrome; VENTRICULAR FIBRILLATION WITH PROLONGED QT INTERVAL. Identifiers: Orphanet 768, MedGen C1141890, MONDO:0019171.
Long QT syndrome (LQTS). Identifiers: MedGen C0023976, MeSH D008133, MONDO:0002442. Disease mechanism: loss of function. Inheritance: Various modes of inheritance.

Allele frequency attached by ClinVar (database versions not stated): gnomAD exomes below 0.00001.
gnomAD v4.1: 6 of 1,614,196 alleles (0.00037%); highest among the groups gnomAD compares: African/African-American, 0.0013%; no homozygotes.

Submissions (3):

Labcorp Genetics (formerly Invitae), Labcorp
Classification: Uncertain significance for Long QT syndrome. Last evaluated: 2023-02-21. Review status: criteria provided, single submitter. Criteria: Invitae Variant Classification Sherloc (09022015). Collection method: clinical testing. Allele origin: germline.
Comment: In summary, the available evidence is currently insufficient to determine the role of this variant in disease. Therefore, it has been classified as a Variant of Uncertain Significance. Algorithms developed to predict the effect of sequence changes on RNA splicing suggest that this variant may create or strengthen a splice site. An algorithm developed to predict the effect of missense changes on protein structure and function (PolyPhen-2) suggests that this variant is likely to be disruptive. ClinVar contains an entry for this variant (Variation ID: 67503). This missense change has been observed in individual(s) with long QT syndrome (LQTS), and in an individual referred for LQTS testing (PMID: 15090700, 24363352). This variant is present in population databases (rs199472863, gnomAD 0.003%). This sequence change replaces glutamic acid, which is acidic and polar, with lysine, which is basic and polar, at codon 130 of the KCNH2 protein (p.Glu130Lys).

Color Diagnostics, LLC DBA Color Health
Classification: Uncertain significance for Cardiac arrhythmia. Last evaluated: 2021-06-29. Review status: criteria provided, single submitter. Criteria: ACMG Guidelines, 2015. Collection method: clinical testing. Allele origin: germline.
Comment: This missense variant replaces glutamic acid with lysine at codon 130 of the KCNH2 protein. Computational prediction suggests that this variant may have deleterious impact on protein structure and function (internally defined REVEL score threshold >= 0.7, PMID: 27666373). To our knowledge, functional studies have not been reported for this variant. This variant has been reported in an individual affected with long QT syndrome (PMID: 15090700), and in an individual referred for LQTS testing (PMID: 24363352). This variant has been identified in 1/251432 chromosomes in the general population by the Genome Aggregation Database (gnomAD). The available evidence is insufficient to determine the role of this variant in disease conclusively. Therefore, this variant is classified as a Variant of Uncertain Significance.

Cardiovascular Biomedical Research Unit, Royal Brompton & Harefield NHS Foundation Trust
No classification provided. Condition: Familial long QT syndrome. Review status: no classification provided. Collection method: literature only. Allele origin: germline. Not counted in ClinVar's aggregate classification.
Comment: This variant has been reported as associated with Long QT syndrome in the following publications (PMID:15090700). This is a literature report, and does not necessarily reflect the clinical interpretation of the Imperial College / Royal Brompton Cardiovascular Genetics laboratory.

Literature cited by the submitters: PubMed 15090700 (cited by Labcorp Genetics (formerly Invitae), Labcorp and Cardiovascular Biomedical Research Unit, Royal Brompton & Harefield NHS Foundation Trust); PubMed 24363352 (cited by Labcorp Genetics (formerly Invitae), Labcorp); PubMed 22581653 (cited by Cardiovascular Biomedical Research Unit, Royal Brompton & Harefield NHS Foundation Trust).

NM_000238.4(KCNH2):c.388G>A (p.Glu130Lys)

Gene: KCNH2 (potassium voltage-gated channel subfamily H member 2; minus strand). Cytogenetic location: 7q36.1.
Variant type: single nucleotide variant.
Coding change: c.388G>A on transcript NM_000238.4 (MANE Select); coding-DNA position 388, G replaced by A.
Protein change: p.Glu130Lys; replaces glutamic acid 130 with lysine.
Molecular consequence: missense variant.
Genome position (GRCh38, 1-based): chr7:150,959,656, C>T on the plus strand (G>A on the coding strand, the complement: KCNH2 is on the minus strand). VCF-style: chr7-150959656-C-T. GRCh37 (hg19) VCF-style: chr7-150656744-C-T.
Other names: c.388G>A (LRG_288t1); c.100G>A, p.Glu34Lys (NM_001406753.1, NM_001406756.1); c.211G>A, p.Glu71Lys (NM_001406755.1); c.88G>A, p.Glu30Lys (NM_001406757.1); c.388G>A, p.Glu130Lys (NM_172056.3); short protein forms E130K, E30K, E71K, E34K.
Identifiers: ClinVar variation 67503 (VCV000067503.14), dbSNP rs199472863, ClinGen allele CA008414.